The following is an entry in ClinVar:

NM_000541.5(SAG):c.1091C>T (p.Pro364Leu)

Gene: SAG (S-antigen visual arrestin; plus strand). Cytogenetic location: 2q37.1.
Variant type: single nucleotide variant.
Coding change: c.1091C>T on transcript NM_000541.5 (MANE Select); coding-DNA position 1091, C replaced by T.
Protein change: p.Pro364Leu; replaces proline 364 with leucine.
Molecular consequence: missense variant.
Genome position (GRCh38, 1-based): chr2:233,342,315, C>T. VCF-style: chr2-233342315-C-T. GRCh37 (hg19) VCF-style: chr2-234250961-C-T.
Other names: short protein forms P364L.
Identifiers: ClinVar variation 791897 (VCV000791897.25), dbSNP rs112613526, ClinGen allele CA2174668.
Genomic context (GRCh38, chr2:233,342,315, plus strand): 5'-CATTCTTTTTTTCTAGTGAAGTCGCCACTGAGGTCCCATTCCGCCTCATGCACCCTCAGC[C>T]TGAGGACCCAGGTCAGTTATGTCCTTTTTTAGCTTTCTTTAATTATTTGCTACTTGCAGA-3'
Protein context (NP_000532.2, residues 354-374): EVPFRLMHPQ[Pro364Leu]EDPAKESYQD

ClinVar aggregate classification (germline): Conflicting classifications of pathogenicity. Review status: criteria provided, conflicting classifications (1 of 4 stars). 7 submissions from 6 submitters: Uncertain significance (1); Benign (2); Likely benign (2). 2 of the submissions do not count toward it. Last evaluated 2026-02-01.

Conditions:
Oguchi disease. Also called: Oguchi's disease. Identifiers: Orphanet 75382, MedGen C1306122, MONDO:0019152.
Retinitis pigmentosa (RP). Identifiers: Orphanet 791, MedGen C0035334, MeSH D012174, MONDO:0019200, OMIM 268000. Inheritance: Autosomal dominant, autosomal recessive and X linked inheritance.

Allele frequency attached by ClinVar (database versions not stated): gnomAD exomes 0.00057 and 0.00138; ExAC 0.00277; gnomAD 0.00573 and 0.00622; ESP Exome Variant Server 0.00578; 1000 Genomes Project 0.00639; TOPMed 0.00656; 1000 Genomes Project 30x 0.00671.
gnomAD v4.1: 1,741 of 1,607,742 alleles (0.11%); highest among the groups gnomAD compares: African/African-American, 2.1%; 25 homozygotes.

Submissions (7):

Labcorp Genetics (formerly Invitae), Labcorp
Classification: Benign. Last evaluated: 2026-02-01. Review status: criteria provided, single submitter. Criteria: Invitae Variant Classification Sherloc (09022015). Collection method: clinical testing. Allele origin: germline.

Blueprint Genetics
Classification: Likely benign. Last evaluated: 2024-10-22. Review status: criteria provided, single submitter. Criteria: ACMG Guidelines, 2015. Collection method: clinical testing. Allele origin: germline.

ARUP Laboratories, Molecular Genetics and Genomics, ARUP Laboratories
Classification: Uncertain significance. Last evaluated: 2018-07-12. Review status: criteria provided, single submitter. Criteria: ARUP Molecular Germline Variant Investigation Process. Collection method: clinical testing. Allele origin: germline.
Comment: The SAG c.1091C>T; p.Pro364Leu variant (rs112613526) is reported in the medical literature in an individual with autosomal recessive retinitis pigmentosa, but the variant was not described as causative and the authors question the contribution of SAG variants to retinitis pigmentosa or stationary night blindness (Sippel 1998). This variant is found in the African population with an overall allele frequency of 1.9% (460/23624 alleles, including 3 homozygotes) in the Genome Aggregation Database. The amino acid at this position is highly conserved and computational analyses (SIFT, PolyPhen-2) predict that this variant is deleterious. Although there are indications that this variant may be benign, there is insufficient evidence to classify the variant with certainty. Therefore, considering available information, this variant is classified as uncertain. References: Sippel KC et al. Evaluation of the human arrestin gene in patients with retinitis pigmentosa and stationary night blindness. Invest Ophthalmol Vis Sci. 1998 Mar;39(3):665-70.

Illumina Laboratory Services, Illumina
Classification: Likely benign for Retinitis pigmentosa. Last evaluated: 2017-04-28. Review status: criteria provided, single submitter. Criteria: ICSL Variant Classification Criteria 13 December 2019. Collection method: clinical testing. Allele origin: germline.
Comment: This variant was observed as part of a predisposition screen in an ostensibly healthy population. A literature search was performed for the gene, cDNA change, and amino acid change (where applicable). Publications were found based on this search. The evidence from the literature, in combination with allele frequency data from public databases where available, was sufficient to determine this variant is unlikely to cause disease. Therefore, this variant is classified as likely benign.

Illumina Laboratory Services, Illumina
Classification: Benign for Oguchi disease-1. Last evaluated: 2017-04-28. Review status: criteria provided, single submitter. Criteria: ICSL Variant Classification Criteria 13 December 2019. Collection method: clinical testing. Allele origin: germline.
Comment: This variant was observed as part of a predisposition screen in an ostensibly healthy population. A literature search was performed for the gene, cDNA change, and amino acid change (where applicable). No publications were found based on this search. Allele frequency data from public databases was too high to be consistent with this variant causing disease. Therefore, this variant is classified as benign.

Clinical Genetics DNA and cytogenetics Diagnostics Lab, Erasmus MC, Erasmus Medical Center
Classification: Likely benign. Review status: no assertion criteria provided. Collection method: clinical testing. Allele origin: germline. Affected: yes. Study: VKGL Data-share Consensus. Not counted in ClinVar's aggregate classification.

Clinical Genetics, Academic Medical Center
Classification: Benign. Review status: no assertion criteria provided. Collection method: clinical testing. Allele origin: germline. Affected: yes. Study: VKGL Data-share Consensus. Not counted in ClinVar's aggregate classification.

Literature cited by the submitters: PubMed 9501883 (cited by Illumina Laboratory Services, Illumina).